The following is an entry in ClinVar:

ClinVar aggregate classification (germline): Uncertain significance (1 of 4 stars; one submission).

Conditions:
POLD1-related polyposis and colorectal cancer syndrome (CRCS10). Also called: Colorectal cancer 10; COLORECTAL CANCER, SUSCEPTIBILITY TO, ON CHROMOSOME 19q; Colorectal cancer, susceptibility to, 10. Identifiers: Orphanet 220460, MedGen C2675481, MONDO:0012953, OMIM 612591.

Submission:

Labcorp Genetics (formerly Invitae), Labcorp
Classification: Uncertain significance for POLD1-related polyposis and colorectal cancer syndrome. Last evaluated: 2018-06-29. Review status: criteria provided, single submitter. Criteria: Invitae Variant Classification Sherloc (09022015). Collection method: clinical testing. Allele origin: germline.
Comment: In summary, the available evidence is currently insufficient to determine the role of this variant in disease. Therefore, it has been classified as a Variant of Uncertain Significance. Algorithms developed to predict the effect of missense changes on protein structure and function are either unavailable or do not agree on the potential impact of this missense change (SIFT: "Deleterious"; PolyPhen-2: "Probably Damaging"; Align-GVGD: "Class C0"). This variant has not been reported in the literature in individuals with POLD1-related disease. This variant is not present in population databases (ExAC no frequency). This sequence change replaces aspartic acid with phenylalanine at codon 920 of the POLD1 protein (p.Asp920Phe). The aspartic acid residue is highly conserved and there is a large physicochemical difference between aspartic acid and phenylalanine.

NM_002691.4(POLD1):c.2758_2759delinsTT (p.Asp920Phe)

Gene: POLD1 (DNA polymerase delta 1, catalytic subunit; plus strand). Cytogenetic location: 19q13.33.
Variant type: Indel.
Coding change: c.2758_2759delinsTT on transcript NM_002691.4 (MANE Select); coding-DNA positions 2758 to 2759, GA replaced by TT.
Protein change: p.Asp920Phe; replaces aspartic acid 920 with phenylalanine.
Molecular consequence: missense variant.
Genome position (GRCh38, 1-based): chr19:50,415,764-50,415,765, GA replaced by TT. VCF-style: chr19-50415764-GA-TT. GRCh37 (hg19) VCF-style: chr19-50919021-GA-TT.
Other names: c.2758_2759delinsTT, p.Asp920Phe (NM_001256849.1, LRG_785t1); c.2836_2837delinsTT, p.Asp946Phe (NM_001308632.1, LRG_785t2); short protein forms D946F, D920F.
Identifiers: ClinVar variation 581843 (VCV000581843.7), dbSNP rs1568638636, ClinGen allele CA891844279.